The following is an entry in ClinVar:

NM_020461.4(TUBGCP6):c.1801A>G (p.Thr601Ala)

Gene: TUBGCP6 (tubulin gamma complex component 6; minus strand). Cytogenetic location: 22q13.33.
Variant type: single nucleotide variant.
Coding change: c.1801A>G on transcript NM_020461.4 (MANE Select); coding-DNA position 1801, A replaced by G.
Protein change: p.Thr601Ala; replaces threonine 601 with alanine.
Molecular consequence: missense variant.
Genome position (GRCh38, 1-based): chr22:50,226,082, T>C on the plus strand (A>G on the coding strand, the complement: TUBGCP6 is on the minus strand). VCF-style: chr22-50226082-T-C. GRCh37 (hg19) VCF-style: chr22-50664511-T-C.
Other names: short protein forms T601A.
Identifiers: ClinVar variation 1412770 (VCV001412770.6), dbSNP rs1413036847, ClinGen allele CA412105202.

ClinVar aggregate classification (germline): Uncertain significance (1 of 4 stars; one submission).

Submission:

Labcorp Genetics (formerly Invitae), Labcorp
Classification: Uncertain significance. Last evaluated: 2023-12-07. Review status: criteria provided, single submitter. Criteria: Invitae Variant Classification Sherloc (09022015). Collection method: clinical testing. Allele origin: germline.
Comment: This sequence change replaces threonine, which is neutral and polar, with alanine, which is neutral and non-polar, at codon 601 of the TUBGCP6 protein (p.Thr601Ala). This variant is not present in population databases (gnomAD no frequency). This variant has not been reported in the literature in individuals affected with TUBGCP6-related conditions. ClinVar contains an entry for this variant (Variation ID: 1412770). An algorithm developed to predict the effect of missense changes on protein structure and function (PolyPhen-2) suggests that this variant is likely to be disruptive. In summary, the available evidence is currently insufficient to determine the role of this variant in disease. Therefore, it has been classified as a Variant of Uncertain Significance.